The following is an entry in ClinVar:

NM_001003800.2(BICD2):c.421C>T (p.Arg141Cys)

Gene: BICD2 (BICD cargo adaptor 2; minus strand). Cytogenetic location: 9q22.31.
Variant type: single nucleotide variant.
Coding change: c.421C>T on transcript NM_001003800.2 (MANE Select); coding-DNA position 421, C replaced by T.
Protein change: p.Arg141Cys; replaces arginine 141 with cysteine.
Molecular consequence: missense variant.
Genome position (GRCh38, 1-based): chr9:92,729,056, G>A on the plus strand (C>T on the coding strand, the complement: BICD2 is on the minus strand). VCF-style: chr9-92729056-G-A. GRCh37 (hg19) VCF-style: chr9-95491338-G-A.
Other names: c.421C>T, p.Arg141Cys (NM_015250.4); short protein forms R141C.
Identifiers: ClinVar variation 2915272 (VCV002915272.3), dbSNP rs1195751812, ClinGen allele CA374026862.

ClinVar aggregate classification (germline): Uncertain significance (1 of 4 stars; one submission).

Conditions:
Autosomal dominant childhood-onset proximal spinal muscular atrophy with contractures (SMALED2A). Also called: SPINAL MUSCULAR ATROPHY, LOWER EXTREMITY-PREDOMINANT, 2A, CHILDHOOD ONSET, AUTOSOMAL DOMINANT; Spinal muscular atrophy, lower extremity-predominant, 2A, autosomal dominant. Identifiers: Orphanet 363447, Orphanet 363454, MedGen C4747715, MONDO:0014121, OMIM 615290.

Allele frequency attached by ClinVar (database versions not stated): TOPMed below 0.00001; gnomAD 0.00001; gnomAD exomes 0.00001.

Submission:

Labcorp Genetics (formerly Invitae), Labcorp
Classification: Uncertain significance for Autosomal dominant childhood-onset proximal spinal muscular atrophy with contractures. Last evaluated: 2024-12-09. Review status: criteria provided, single submitter. Criteria: Invitae Variant Classification Sherloc (09022015). Collection method: clinical testing. Allele origin: germline.
Comment: This sequence change replaces arginine, which is basic and polar, with cysteine, which is neutral and slightly polar, at codon 141 of the BICD2 protein (p.Arg141Cys). This variant is not present in population databases (gnomAD no frequency). This variant has not been reported in the literature in individuals affected with BICD2-related conditions. ClinVar contains an entry for this variant (Variation ID: 2915272). Invitae Evidence Modeling of protein sequence and biophysical properties (such as structural, functional, and spatial information, amino acid conservation, physicochemical variation, residue mobility, and thermodynamic stability) has been performed for this missense variant. However, the output from this modeling did not meet the statistical confidence thresholds required to predict the impact of this variant on BICD2 protein function. In summary, the available evidence is currently insufficient to determine the role of this variant in disease. Therefore, it has been classified as a Variant of Uncertain Significance.